The following is an entry in ClinVar:

ClinVar aggregate classification (germline): Benign. Review status: criteria provided, multiple submitters, no conflicts (2 of 4 stars). 7 submissions from 7 submitters: Benign (7). Last evaluated 2026-02-04.

Conditions:
Combined oxidative phosphorylation defect type 27. Also called: Combined oxidative phosphorylation deficiency 27. Identifiers: Orphanet 477774, MedGen C5567608, MONDO:0014728, OMIM 616672.

Allele frequency attached by ClinVar (database versions not stated): TOPMed 0.75464; 1000 Genomes Project 30x 0.75547; 1000 Genomes Project 0.76238; gnomAD 0.77143 and 0.77459; ESP Exome Variant Server 0.77480; gnomAD exomes 0.79511 and 0.83106; ExAC 0.80220.
gnomAD v4.1: 1,331,782 of 1,613,404 alleles (83%); highest among the groups gnomAD compares: East Asian, 85%; 553,037 homozygotes.

Submissions (7):

Labcorp Genetics (formerly Invitae), Labcorp
Classification: Benign for Combined oxidative phosphorylation defect type 27. Last evaluated: 2026-02-04. Review status: criteria provided, single submitter. Criteria: Invitae Variant Classification Sherloc (09022015). Collection method: clinical testing. Allele origin: germline.

Blueprint Genetics
Classification: Benign. Last evaluated: 2024-11-27. Review status: criteria provided, single submitter. Criteria: ACMG Guidelines, 2015. Collection method: clinical testing. Allele origin: germline.

Unidad de Genómica Garrahan, Hospital de Pediatría Garrahan
Classification: Benign. Last evaluated: 2024-07-31. Review status: criteria provided, single submitter. Criteria: ACMG Guidelines, 2015. Collection method: clinical testing. Allele origin: germline. Affected: no. Observed: 87 variant alleles.
Comment: This variant is classified as Benign based on local population frequency. This variant was detected in 94% of patients studied in a panel designed for Epileptic and Developmental Encephalopathy, Progressive Myoclonus Epilepsy and Abnormal Movements and Neurodegeneration with brain iron accumulation. Number of patients: 87. Only high quality variants are reported.

Mayo Clinic Laboratories, Mayo Clinic
Classification: Benign. Last evaluated: 2022-10-27. Review status: criteria provided, single submitter. Criteria: ACMG Guidelines, 2015. Collection method: clinical testing. Allele origin: germline. Observed: 481 variant alleles.

Genome-Nilou Lab
Classification: Benign for Combined oxidative phosphorylation defect type 27. Last evaluated: 2021-07-14. Review status: criteria provided, single submitter. Criteria: ACMG Guidelines, 2015. Collection method: clinical testing. Allele origin: germline. Affected: no.

GeneDx
Classification: Benign. Last evaluated: 2015-12-02. Review status: criteria provided, single submitter. Criteria: GeneDx Variant Classification (06012015). Collection method: clinical testing. Allele origin: germline. Affected: yes.
Comment: This variant is considered likely benign or benign based on one or more of the following criteria: it is a conservative change, it occurs at a poorly conserved position in the protein, it is predicted to be benign by multiple in silico algorithms, and/or has population frequency not consistent with disease.

Breakthrough Genomics
Classification: Benign. Review status: criteria provided, single submitter. Criteria: ACMG Guidelines, 2015. Collection method: not provided. Allele origin: germline. Inheritance: Autosomal recessive inheritance. Affected: yes.

NM_024537.4(CARS2):c.852A>G (p.Glu284=)

Gene: CARS2 (cysteinyl-tRNA synthetase 2, mitochondrial; minus strand). Cytogenetic location: 13q34.
Variant type: single nucleotide variant.
Coding change: c.852A>G on transcript NM_024537.4 (MANE Select); coding-DNA position 852, A replaced by G.
Protein change: p.Glu284=; no amino-acid change (glutamic acid 284 retained).
Molecular consequence: synonymous variant. On other transcripts: non-coding transcript variant (2).
Genome position (GRCh38, 1-based): chr13:110,667,407, T>C on the plus strand (A>G on the coding strand, the complement: CARS2 is on the minus strand). VCF-style: chr13-110667407-T-C. GRCh37 (hg19) VCF-style: chr13-111319754-T-C.
Other names: p.Glu284=; c.66A>G, p.Glu22= (NM_001352252.2); c.852A>G, p.Glu284= (NM_001352253.3).
Identifiers: ClinVar variation 379949 (VCV000379949.17), dbSNP rs4628819, ClinGen allele CA7052055.